The following is an entry in ClinVar:

ClinVar aggregate classification (germline): Uncertain significance (1 of 4 stars; one submission).

Submission:

Ambry Genetics
Classification: Uncertain significance. Last evaluated: 2024-04-05. Review status: criteria provided, single submitter. Criteria: Ambry Variant Classification Scheme 2023. Collection method: clinical testing. Allele origin: germline.
Comment: The p.Q1636R variant (also known as c.4907A>G), located in coding exon 4 of the ALPK2 gene, results from an A to G substitution at nucleotide position 4907. The glutamine at codon 1636 is replaced by arginine, an amino acid with highly similar properties. This amino acid position is conserved. In addition, this alteration is predicted to be tolerated by in silico analysis. Based on the available evidence, the clinical significance of this variant remains unclear.

NM_052947.4(ALPK2):c.4907A>G (p.Gln1636Arg)

Gene: ALPK2 (alpha kinase 2; minus strand). Cytogenetic location: 18q21.31.
Variant type: single nucleotide variant.
Coding change: c.4907A>G on transcript NM_052947.4 (MANE Select); coding-DNA position 4907, A replaced by G.
Protein change: p.Gln1636Arg; replaces glutamine 1636 with arginine.
Molecular consequence: missense variant.
Genome position (GRCh38, 1-based): chr18:58,535,280, T>C on the plus strand (A>G on the coding strand, the complement: ALPK2 is on the minus strand). VCF-style: chr18-58535280-T-C. GRCh37 (hg19) VCF-style: chr18-56202512-T-C.
Other names: short protein forms Q1636R.
Identifiers: ClinVar variation 3288740 (VCV003288740.1).